The following is an entry in ClinVar:

ClinVar aggregate classification (germline): Benign. Review status: criteria provided, multiple submitters, no conflicts (2 of 4 stars). 2 submissions from 2 submitters: Benign (2). Last evaluated 2016-03-29.

Allele frequency attached by ClinVar (database versions not stated): gnomAD exomes 0.23599 and 0.24615; ESP Exome Variant Server 0.30060; gnomAD 0.30231 and 0.30608; ExAC 0.30553; TOPMed 0.31426; 1000 Genomes Project 0.33566; 1000 Genomes Project 30x 0.34510.
gnomAD v4.1: 389,821 of 1,604,564 alleles (24%); highest among the groups gnomAD compares: African/African-American, 48%; 49,530 homozygotes.

Submissions (2):

Laboratory for Molecular Medicine, Mass General Brigham Personalized Medicine
Classification: Benign. Last evaluated: 2016-03-29. Review status: criteria provided, single submitter. Criteria: LMM Criteria. Collection method: clinical testing. Allele origin: germline.
Comment: Variant identified in a genome or exome case(s) and assessed due to predicted null impact of the variant or pathogenic assertions in the literature or databases. Disclaimer: This variant has not undergone full assessment. The following are preliminary notes: Frequency

Breakthrough Genomics
Classification: Benign. Review status: criteria provided, single submitter. Criteria: ACMG Guidelines, 2015. Collection method: not provided. Allele origin: germline. Inheritance: Autosomal recessive inheritance. Affected: yes.

NM_001372106.1(DNAH10):c.9729G>A (p.Glu3243=)

Gene: DNAH10 (dynein axonemal heavy chain 10; plus strand). Cytogenetic location: 12q24.31.
Variant type: single nucleotide variant.
Coding change: c.9729G>A on transcript NM_001372106.1 (MANE Select); coding-DNA position 9729, G replaced by A.
Protein change: p.Glu3243=; no amino-acid change (glutamic acid 3243 retained).
Molecular consequence: synonymous variant.
Genome position (GRCh38, 1-based): chr12:123,903,027, G>A. VCF-style: chr12-123903027-G-A. GRCh37 (hg19) VCF-style: chr12-124387574-G-A.
Other names: c.9375G>A, p.Glu3125= (NM_207437.3).
Identifiers: ClinVar variation 402621 (VCV000402621.5), dbSNP rs58411567, ClinGen allele CA6865162.